The following is an entry in ClinVar:

ClinVar aggregate classification (germline): Uncertain significance. Review status: criteria provided, multiple submitters, no conflicts (2 of 4 stars). 3 submissions from 3 submitters: Uncertain significance (3). Last evaluated 2025-08-13.

Conditions:
Inborn genetic diseases. Identifiers: MedGen C0950123, MeSH D030342.
Combined oxidative phosphorylation defect type 15. Also called: Combined oxidative phosphorylation deficiency 15. Identifiers: Orphanet 319524, MedGen C4706313, MONDO:0013987, OMIM 614947.
Mitochondrial complex I deficiency, nuclear type 27. Also called: Mitochondrial complex 1 deficiency, nuclear type 27. Identifiers: MedGen C4748826, MONDO:0032631, OMIM 618248.

Allele frequency attached by ClinVar (database versions not stated): ExAC 0.00005; gnomAD 0.00007; TOPMed 0.00011; 1000 Genomes Project 0.00080; 1000 Genomes Project 30x 0.00094.
gnomAD v4.1: 35 of 1,612,964 alleles (0.0022%); highest among the groups gnomAD compares: Admixed American, 0.018%; no homozygotes.

Submissions (3):

Ambry Genetics
Classification: Uncertain significance for Inborn genetic diseases. Last evaluated: 2025-08-13. Review status: criteria provided, single submitter. Criteria: Ambry Variant Classification Scheme 2023. Collection method: clinical testing. Allele origin: germline.

Labcorp Genetics (formerly Invitae), Labcorp
Classification: Uncertain significance. Last evaluated: 2023-11-13. Review status: criteria provided, single submitter. Criteria: Invitae Variant Classification Sherloc (09022015). Collection method: clinical testing. Allele origin: germline.
Comment: This sequence change replaces arginine, which is basic and polar, with histidine, which is basic and polar, at codon 154 of the MTFMT protein (p.Arg154His). This variant is present in population databases (rs556616320, gnomAD 0.02%). This variant has not been reported in the literature in individuals affected with MTFMT-related conditions. Advanced modeling of protein sequence and biophysical properties (such as structural, functional, and spatial information, amino acid conservation, physicochemical variation, residue mobility, and thermodynamic stability) has been performed at Invitae for this missense variant, however the output from this modeling did not meet the statistical confidence thresholds required to predict the impact of this variant on MTFMT protein function. In summary, the available evidence is currently insufficient to determine the role of this variant in disease. Therefore, it has been classified as a Variant of Uncertain Significance.

Juno Genomics, Hangzhou Juno Genomics, Inc
Classification: Uncertain significance for Combined oxidative phosphorylation defect type 15; Mitochondrial complex I deficiency, nuclear type 27. Review status: criteria provided, single submitter. Criteria: ACMG Guidelines, 2015. Collection method: clinical testing. Allele origin: germline.
Comment: Absent from controls (or at extremely low frequency if recessive) in Genome Aggregation Database.;Multiple lines of computational evidence support a deleterious effect on the gene or gene product.

NM_139242.4(MTFMT):c.461G>A (p.Arg154His)

Gene: MTFMT (mitochondrial methionyl-tRNA formyltransferase; minus strand). Cytogenetic location: 15q22.31.
Variant type: single nucleotide variant.
Coding change: c.461G>A on transcript NM_139242.4 (MANE Select); coding-DNA position 461, G replaced by A.
Protein change: p.Arg154His; replaces arginine 154 with histidine.
Molecular consequence: missense variant.
Genome position (GRCh38, 1-based): chr15:65,023,753, C>T on the plus strand (G>A on the coding strand, the complement: MTFMT is on the minus strand). VCF-style: chr15-65023753-C-T. GRCh37 (hg19) VCF-style: chr15-65316091-C-T.
Other names: c.461G>A (NM_139242.3); short protein forms R154H.
Identifiers: ClinVar variation 2899443 (VCV002899443.6), dbSNP rs556616320, ClinGen allele CA7613349.
Genomic context (GRCh38, chr15:65,023,753, plus strand): 5'-ATTGTTACTCCAGTAACTGTGTCTCCGTGAAGCACTGTATGGATTACAGGGGCTGGGCCA[C>T]GCCATCTCGGGAGGCAACTGGGATGAACATTCAATATGCCACTGAGTTAGAAAATGTAGA-3'
Protein context (NP_640335.2, residues 144-164): NVHPSCLPRW[Arg154His]GPAPVIHTVL